The following is an entry in ClinVar:

NM_005546.4(ITK):c.769-13C>T

Gene: ITK (IL2 inducible T cell kinase; plus strand). Cytogenetic location: 5q33.3.
Variant type: single nucleotide variant.
Coding change: c.769-13C>T on transcript NM_005546.4 (MANE Select); 13 bases into the intron before coding-DNA position 769, C replaced by T.
Molecular consequence: intron variant.
Genome position (GRCh38, 1-based): chr5:157,238,096, C>T. VCF-style: chr5-157238096-C-T. GRCh37 (hg19) VCF-style: chr5-156665106-C-T.
Identifiers: ClinVar variation 352466 (VCV000352466.17), dbSNP rs56100638, ClinGen allele CA3532895.

ClinVar aggregate classification (germline): Benign/Likely benign. Review status: criteria provided, multiple submitters, no conflicts (2 of 4 stars). 6 submissions from 6 submitters: Benign (4); Likely benign (1). 1 of the submissions does not count toward it. Last evaluated 2026-02-03.

Conditions:
Lymphoproliferative syndrome 1 (LPFS1). Identifiers: Orphanet 238505, Orphanet 538963, MedGen C3552634, MONDO:0013081, OMIM 613011.

Allele frequency attached by ClinVar (database versions not stated): 1000 Genomes Project 0.00659; 1000 Genomes Project 30x 0.00765; TOPMed 0.01636; gnomAD exomes 0.01718 and 0.02534; gnomAD 0.01751 and 0.01844; ExAC 0.01832; ESP Exome Variant Server 0.01884.
gnomAD v4.1: 39,085 of 1,603,682 alleles (2.4%); highest among the groups gnomAD compares: Non-Finnish European, 3%; 605 homozygotes.

Submissions (6):

Labcorp Genetics (formerly Invitae), Labcorp
Classification: Benign for Lymphoproliferative syndrome 1. Last evaluated: 2026-02-03. Review status: criteria provided, single submitter. Criteria: Invitae Variant Classification Sherloc (09022015). Collection method: clinical testing. Allele origin: germline.

Women's Health and Genetics/Laboratory Corporation of America, LabCorp
Classification: Benign. Last evaluated: 2026-01-22. Review status: criteria provided, single submitter. Criteria: LabCorp Variant Classification Summary - May 2015. Collection method: clinical testing. Allele origin: germline.

Blueprint Genetics
Classification: Likely benign. Last evaluated: 2024-11-26. Review status: criteria provided, single submitter. Criteria: ACMG Guidelines, 2015. Collection method: clinical testing. Allele origin: germline.

Illumina Laboratory Services, Illumina
Classification: Benign for Lymphoproliferative syndrome 1. Last evaluated: 2018-01-13. Review status: criteria provided, single submitter. Criteria: ICSL Variant Classification Criteria 13 December 2019. Collection method: clinical testing. Allele origin: germline.
Comment: This variant was observed in the ICSL laboratory as part of a predisposition screen in an ostensibly healthy population. It had not been previously curated by ICSL or reported in the Human Gene Mutation Database (HGMD: prior to June 1st, 2018), and was therefore a candidate for classification through an automated scoring system. Utilizing variant allele frequency, disease prevalence and penetrance estimates, and inheritance mode, an automated score was calculated to assess if this variant is too frequent to cause the disease. Based on the score and internal cut-off values, a variant classified as benign is not then subjected to further curation. The score for this variant resulted in a classification of benign for this disease.

Genome Diagnostics Laboratory, University Medical Center Utrecht
Classification: Benign for Lymphoproliferative syndrome 1. Last evaluated: 2014-10-09. Review status: criteria provided, single submitter. Criteria: ACGS Guidelines, 2013. Collection method: clinical testing. Allele origin: germline. Affected: yes. Study: VKGL Data-share Consensus.

Genome Diagnostics Laboratory, Amsterdam University Medical Center
Classification: Benign for Lymphoproliferative syndrome 1. Last evaluated: 2015-10-05. Review status: no assertion criteria provided. Criteria: ACGS Guidelines, 2013. Collection method: clinical testing. Allele origin: germline. Affected: yes. Study: VKGL Data-share Consensus. Not counted in ClinVar's aggregate classification.